The following is an entry in ClinVar:

ClinVar aggregate classification (germline): Uncertain significance (1 of 4 stars; one submission).

gnomAD v4.1: 5 of 1,612,814 alleles (0.00031%); highest among the groups gnomAD compares: Middle Eastern, 0.033%; no homozygotes.

Submission:

CeGaT Center for Human Genetics Tuebingen
Classification: Uncertain significance. Last evaluated: 2024-06-01. Review status: criteria provided, single submitter. Criteria: CeGaT Center For Human Genetics Tuebingen Variant Classification Criteria Version 2. Collection method: clinical testing. Allele origin: germline. Affected: yes. Observed: 1 variant allele.
Comment: PRSS50: PP3

NM_013270.5(PRSS50):c.754+5G>C

Gene: PRSS50 (serine protease 50; minus strand). Cytogenetic location: 3p21.31.
Variant type: single nucleotide variant.
Coding change: c.754+5G>C on transcript NM_013270.5 (MANE Select); 5 bases into the intron after coding-DNA position 754, G replaced by C.
Molecular consequence: intron variant.
Genome position (GRCh38, 1-based): chr3:46,714,213, C>G on the plus strand (G>C on the coding strand, the complement: PRSS50 is on the minus strand). VCF-style: chr3-46714213-C-G. GRCh37 (hg19) VCF-style: chr3-46755703-C-G.
Identifiers: ClinVar variation 3250669 (VCV003250669.18), dbSNP rs759858584.
Genomic context (GRCh38, chr3:46,714,213, plus strand): 5'-ACCCTGGCCTGCACCCACGTCCTTTCTCACAGCACCCGCCCTGGTCTGCAGAGGCTTTGA[C>G]TCACCGTCAGCCTTGGAAAGTCCCCAGCCCGTCACAGTGCAGCGGGAATGGTCCTTCAAC-3'